The following is an entry in ClinVar:

NM_001256071.3(RNF213):c.15279G>A (p.Leu5093=)

Genes: RNF213 (ring finger protein 213; plus strand), RNF213-AS1 (RNF213 antisense RNA 1; minus strand). Cytogenetic location: 17q25.3.
Variant type: single nucleotide variant.
Coding change: c.15279G>A on transcript NM_001256071.3 (MANE Select); coding-DNA position 15279, G replaced by A.
Protein change: p.Leu5093=; no amino-acid change (leucine 5093 retained).
Molecular consequence: synonymous variant.
Genome position (GRCh38, 1-based): chr17:80,389,911, G>A. VCF-style: chr17-80389911-G-A. GRCh37 (hg19) VCF-style: chr17-78363711-G-A.
Other names: p.Leu5093=.
Identifiers: ClinVar variation 1539350 (VCV001539350.10), dbSNP rs36046948, ClinGen allele CA8823252.

ClinVar aggregate classification (germline): Benign. Review status: criteria provided, multiple submitters, no conflicts (2 of 4 stars). 3 submissions from 3 submitters: Benign (3). Last evaluated 2026-01-28.

Allele frequency attached by ClinVar (database versions not stated): 1000 Genomes Project 0.01817; gnomAD exomes 0.01831 and 0.01717; gnomAD 0.02005 and 0.01997; 1000 Genomes Project 30x 0.01921; TOPMed 0.02036; ESP Exome Variant Server 0.02091; ExAC 0.01735.
gnomAD v4.1: 29,780 of 1,614,096 alleles (1.8%); highest among the groups gnomAD compares: Middle Eastern, 3.6%; 332 homozygotes.

Submissions (3):

Labcorp Genetics (formerly Invitae), Labcorp
Classification: Benign. Last evaluated: 2026-01-28. Review status: criteria provided, single submitter. Criteria: Invitae Variant Classification Sherloc (09022015). Collection method: clinical testing. Allele origin: germline.

Mayo Clinic Laboratories, Mayo Clinic
Classification: Benign. Last evaluated: 2023-11-08. Review status: criteria provided, single submitter. Criteria: ACMG Guidelines, 2015. Collection method: clinical testing. Allele origin: germline. Observed: 8 variant alleles.
Comment: BS1, BS2, BP4, BP7

Breakthrough Genomics
Classification: Benign. Review status: criteria provided, single submitter. Criteria: ACMG Guidelines, 2015. Collection method: not provided. Allele origin: germline. Inheritance: Autosomal dominant inheritance. Affected: yes.